The following is an entry in ClinVar:

ClinVar aggregate classification (germline): Pathogenic (1 of 4 stars; one submission).

Conditions:
GNE myopathy (NM). Also called: NONAKA DISTAL MYOPATHY; INCLUSION BODY MYOPATHY, HEREDITARY, AUTOSOMAL RECESSIVE; INCLUSION BODY MYOPATHY 2, AUTOSOMAL RECESSIVE; MYOPATHY, DISTAL, WITH OR WITHOUT RIMMED VACUOLES; IBM 2; Inclusion body myopathy autosomal recessive. Identifiers: Orphanet 602, MedGen C1853926, MONDO:0011603, OMIM 605820.
Sialuria. Also called: SIALURIA, FRENCH TYPE; Sialic Acid Storage Disease. Identifiers: Orphanet 3166, MedGen C0342853, MONDO:0010028, OMIM 269921.

Submission:

Labcorp Genetics (formerly Invitae), Labcorp
Classification: Pathogenic for Sialuria; GNE myopathy. Last evaluated: 2023-03-08. Review status: criteria provided, single submitter. Criteria: Invitae Variant Classification Sherloc (09022015). Collection method: clinical testing. Allele origin: germline.
Comment: This sequence change creates a premature translational stop signal (p.Leu211Phefs*3) in the GNE gene. It is expected to result in an absent or disrupted protein product. Loss-of-function variants in GNE are known to be pathogenic (PMID: 24027297). This variant is not present in population databases (gnomAD no frequency). This variant has not been reported in the literature in individuals affected with GNE-related conditions. For these reasons, this variant has been classified as Pathogenic.

Literature cited by the submitters: PubMed 24027297.

NM_005476.7(GNE):c.540_553del (p.Leu180fs)

Gene: GNE (glucosamine (UDP-N-acetyl)-2-epimerase/N-acetylmannosamine kinase; minus strand). Cytogenetic location: 9p13.3.
Variant type: Deletion.
Coding change: c.540_553del on transcript NM_005476.7 (MANE Select); coding-DNA positions 540 to 553, 14 bases deleted (GGCAGGCTGCCCTT).
Protein change: p.Leu180fs; shifts the reading frame from leucine 180.
Molecular consequence: frameshift variant.
Genome position (GRCh38, 1-based): chr9:36,246,094-36,246,107, AAGGGCAGCCTGCC deleted on the plus strand (GGCAGGCTGCCCTT on the coding strand, the reverse complement: GNE is on the minus strand); deleting any 14 consecutive bases within chr9:36,246,094-36,246,109 gives the same sequence; the c. name uses the placement nearest the transcript's 3' end. VCF-style (leftmost placement, unchanged base first): chr9-36246093-GAAGGGCAGCCTGCC-G. GRCh37 (hg19) VCF-style: chr9-36246090-GAAGGGCAGCCTGCC-G.
Other names: c.633_646del, p.Leu211fs (NM_001128227.3); c.540_553del, p.Leu180fs (NM_001190383.3, NM_001374797.1); c.363_376del, p.Leu121fs (NM_001190384.3, NM_001190388.2, NM_001374798.1); short protein forms L211fs, L121fs, L180fs.
Identifiers: ClinVar variation 2945109 (VCV002945109.3), dbSNP rs2489786273, ClinGen allele CA2740095486.